The following is an entry in ClinVar:

NM_030962.4(SBF2):c.5277T>C (p.Gly1759=)

Genes: SBF2 (SET binding factor 2; minus strand), SBF2-AS1 (SBF2 antisense RNA 1; plus strand), LOC105369149 (uncharacterized LOC105369149; plus strand). Cytogenetic location: 11p15.4.
Variant type: single nucleotide variant.
Coding change: c.5277T>C on transcript NM_030962.4 (MANE Select); coding-DNA position 5277, T replaced by C.
Protein change: p.Gly1759=; no amino-acid change (glycine 1759 retained).
Molecular consequence: synonymous variant.
Genome position (GRCh38, 1-based): chr11:9,784,393, A>G on the plus strand (T>C on the coding strand, the complement: SBF2 is on the minus strand). VCF-style: chr11-9784393-A-G. GRCh37 (hg19) VCF-style: chr11-9805940-A-G.
Other names: c.5373T>C, p.Gly1791= (NM_001386339.1); c.5148T>C, p.Gly1716= (NM_001386342.1); c.5277T>C (NM_030962.3).
Identifiers: ClinVar variation 1569327 (VCV001569327.9), dbSNP rs774505575, ClinGen allele CA5880747.

ClinVar aggregate classification (germline): Likely benign. Review status: criteria provided, multiple submitters, no conflicts (2 of 4 stars). 2 submissions from 2 submitters: Likely benign (2). Last evaluated 2026-04-07.

Conditions:
SBF2-related disorder. Also called: SBF2-related condition.
Charcot-Marie-Tooth disease type 4. Also called: Charcot-Marie-Tooth, Type 4; Charcot-Marie-Tooth disease, type IV. Identifiers: Orphanet 64749, MedGen C4082197, MONDO:0018995.

Allele frequency attached by ClinVar (database versions not stated): gnomAD exomes below 0.00001; TOPMed below 0.00001; ExAC 0.00001.
gnomAD v4.1: 21 of 1,614,158 alleles (0.0013%); highest among the groups gnomAD compares: Non-Finnish European, 0.0017%; no homozygotes.

Submissions (2):

PreventionGenetics, part of Exact Sciences
Classification: Likely benign for SBF2-related condition. Last evaluated: 2026-04-07. Review status: criteria provided, single submitter. Criteria: ACMG Guidelines, 2015. Collection method: clinical testing. Allele origin: germline.
Comment: This variant is classified as likely benign based on ACMG/AMP sequence variant interpretation guidelines (Richards et al. 2015 PMID: 25741868, with internal and published modifications).

Labcorp Genetics (formerly Invitae), Labcorp
Classification: Likely benign for Charcot-Marie-Tooth disease type 4. Last evaluated: 2025-12-21. Review status: criteria provided, single submitter. Criteria: Invitae Variant Classification Sherloc (09022015). Collection method: clinical testing. Allele origin: germline.